The following is an entry in ClinVar:

ClinVar aggregate classification (germline): Uncertain significance (1 of 4 stars; one submission).

Conditions:
Benign neonatal seizures. Also called: Convulsions benign familial neonatal dominant form; Autosomal dominant form of benign neonatal seizures; Benign familial neonatal seizures; Benign familial neonatal epilepsy; Benign neonatal familial convulsions. Identifiers: Orphanet 1949, MedGen C0220669, MONDO:0016027.

Allele frequency attached by ClinVar (database versions not stated): gnomAD exomes 0.00001; ExAC 0.00002.
gnomAD v4.1: 3 of 1,614,168 alleles (0.00019%); highest among the groups gnomAD compares: Non-Finnish European, 0.00025%; no homozygotes.

Submission:

Labcorp Genetics (formerly Invitae), Labcorp
Classification: Uncertain significance for Benign neonatal seizures. Last evaluated: 2022-07-20. Review status: criteria provided, single submitter. Criteria: Invitae Variant Classification Sherloc (09022015). Collection method: clinical testing. Allele origin: germline.
Comment: In summary, the available evidence is currently insufficient to determine the role of this variant in disease. Therefore, it has been classified as a Variant of Uncertain Significance. This sequence change replaces proline, which is neutral and non-polar, with serine, which is neutral and polar, at codon 197 of the KCNQ3 protein (p.Pro197Ser). This variant is present in population databases (rs762050751, gnomAD 0.002%). This variant has not been reported in the literature in individuals affected with KCNQ3-related conditions. ClinVar contains an entry for this variant (Variation ID: 1503584). Advanced modeling of protein sequence and biophysical properties (such as structural, functional, and spatial information, amino acid conservation, physicochemical variation, residue mobility, and thermodynamic stability) performed at Invitae indicates that this missense variant is expected to disrupt KCNQ3 protein function.

NM_004519.4(KCNQ3):c.589C>T (p.Pro197Ser)

Gene: KCNQ3 (potassium voltage-gated channel subfamily Q member 3; minus strand). Cytogenetic location: 8q24.22.
Variant type: single nucleotide variant.
Coding change: c.589C>T on transcript NM_004519.4 (MANE Select); coding-DNA position 589, C replaced by T.
Protein change: p.Pro197Ser; replaces proline 197 with serine.
Molecular consequence: missense variant.
Genome position (GRCh38, 1-based): chr8:132,184,256, G>A on the plus strand (C>T on the coding strand, the complement: KCNQ3 is on the minus strand). VCF-style: chr8-132184256-G-A. GRCh37 (hg19) VCF-style: chr8-133196503-G-A.
Other names: c.229C>T, p.Pro77Ser (NM_001204824.2); short protein forms P77S, P197S.
Identifiers: ClinVar variation 1503584 (VCV001503584.8), dbSNP rs762050751, ClinGen allele CA4880896.